The following is an entry in ClinVar:

ClinVar aggregate classification (germline): Pathogenic (1 of 4 stars; one submission).

Conditions:
Menkes kinky-hair syndrome (MNK). Also called: Copper transport disease; Menkes Disease; Classic Menkes Disease. Identifiers: Orphanet 565, MedGen C0022716, MONDO:0010651, OMIM 309400.

Submission:

Women's Health and Genetics/Laboratory Corporation of America, LabCorp
Classification: Pathogenic for Menkes kinky-hair syndrome. Last evaluated: 2025-05-15. Review status: criteria provided, single submitter. Criteria: LabCorp Variant Classification Summary - May 2015. Collection method: clinical testing. Allele origin: germline.
Comment: Variant summary: ATP7A c.3826G>T (p.Glu1276X) results in a premature termination codon, predicted to cause a truncation of the encoded protein or absence of the protein due to nonsense mediated decay, which are commonly known mechanisms for disease. The variant was absent in 183442 control chromosomes (gnomAD). To our knowledge, no occurrence of c.3826G>T in individuals affected with Menkes Kinky-Hair Syndrome and no experimental evidence demonstrating its impact on protein function have been reported. No submitters have cited clinical-significance assessments for this variant to ClinVar. Based on the evidence outlined above, the variant was classified as pathogenic.

NM_000052.7(ATP7A):c.3826G>T (p.Glu1276Ter)

Gene: ATP7A (ATPase copper transporting alpha; plus strand). Cytogenetic location: Xq21.1.
Variant type: single nucleotide variant.
Coding change: c.3826G>T on transcript NM_000052.7 (MANE Select); coding-DNA position 3826, G replaced by T.
Protein change: p.Glu1276Ter; replaces glutamic acid 1276 with a stop codon.
Molecular consequence: nonsense. On other transcripts: non-coding transcript variant (1).
Genome position (GRCh38, 1-based): chrX:78,042,609, G>T. VCF-style: chrX-78042609-G-T. GRCh37 (hg19) VCF-style: chrX-77298107-G-T.
Other names: c.3592G>T, p.Glu1198Ter (NM_001282224.2); short protein forms E1198*, E1276*.
Identifiers: ClinVar variation 3902184 (VCV003902184.1).
Genomic context (GRCh38, chrX:78,042,609, plus strand): 5'-TTTTTTAAATGAATTGAGTTTATTTTCATCACATAGGTTGGCATTACTAAGGTGTTTGCT[G>T]AAGTTCTACCTTCTCACAAGGTTGCTAAAGTGAAGCAACTTCAAGAGGAGGGGAAACGGG-3'